The following is an entry in ClinVar:

ClinVar aggregate classification (germline): Uncertain significance (1 of 4 stars; one submission).

Conditions:
Mowat-Wilson syndrome (MOWS). Also called: Classic Mowat-Wilson Syndrome. Identifiers: Orphanet 2152, MedGen C1856113, MONDO:0009341, OMIM 235730.

Allele frequency attached by ClinVar (database versions not stated): TOPMed 0.00001.
gnomAD v4.1: 10 of 1,614,172 alleles (0.00062%); highest among the groups gnomAD compares: East Asian, 0.0067%; no homozygotes.

Submission:

Labcorp Genetics (formerly Invitae), Labcorp
Classification: Uncertain significance for Mowat-Wilson syndrome. Last evaluated: 2022-08-16. Review status: criteria provided, single submitter. Criteria: Invitae Variant Classification Sherloc (09022015). Collection method: clinical testing. Allele origin: germline.
Comment: This sequence change replaces arginine, which is basic and polar, with histidine, which is basic and polar, at codon 185 of the ZEB2 protein (p.Arg185His). This variant is not present in population databases (gnomAD no frequency). This variant has not been reported in the literature in individuals affected with ZEB2-related conditions. ClinVar contains an entry for this variant (Variation ID: 1005524). Algorithms developed to predict the effect of missense changes on protein structure and function are either unavailable or do not agree on the potential impact of this missense change (SIFT: "Deleterious"; PolyPhen-2: "Possibly Damaging"; Align-GVGD: "Class C0"). In summary, the available evidence is currently insufficient to determine the role of this variant in disease. Therefore, it has been classified as a Variant of Uncertain Significance.

NM_014795.4(ZEB2):c.554G>A (p.Arg185His)

Genes: ZEB2 (zinc finger E-box binding homeobox 2; minus strand), LOC111721705 (skeletal muscle cis-regulatory module overlapping ZEB2; plus strand). Cytogenetic location: 2q22.3.
Variant type: single nucleotide variant.
Coding change: c.554G>A on transcript NM_014795.4 (MANE Select); coding-DNA position 554, G replaced by A.
Protein change: p.Arg185His; replaces arginine 185 with histidine.
Molecular consequence: missense variant.
Genome position (GRCh38, 1-based): chr2:144,404,874, C>T on the plus strand (G>A on the coding strand, the complement: ZEB2 is on the minus strand). VCF-style: chr2-144404874-C-T. GRCh37 (hg19) VCF-style: chr2-145162441-C-T.
Other names: c.482G>A, p.Arg161His (NM_001171653.2); short protein forms R161H, R185H.
Identifiers: ClinVar variation 1005524 (VCV001005524.8), dbSNP rs752377563, ClinGen allele CA348715125.